The following is an entry in ClinVar:

NM_018972.4(GDAP1):c.21G>A (p.Glu7=)

Genes: GDAP1 (ganglioside induced differentiation associated protein 1; plus strand), LOC130000622 (ATAC-STARR-seq lymphoblastoid active region 27542; plus strand). Cytogenetic location: 8q21.11.
Variant type: single nucleotide variant.
Coding change: c.21G>A on transcript NM_018972.4 (MANE Select); coding-DNA position 21, G replaced by A.
Protein change: p.Glu7=; no amino-acid change (glutamic acid 7 retained).
Molecular consequence: synonymous variant. On other transcripts: 5 prime UTR variant (2), intron variant (1).
Genome position (GRCh38, 1-based): chr8:74,350,482, G>A. VCF-style: chr8-74350482-G-A. GRCh37 (hg19) VCF-style: chr8-75262717-G-A.
Other names: c.-162G>A (NM_001362929.2); c.21G>A, p.Glu7= (NM_001362930.2, NM_001362931.2); c.-114G>A (NM_001362932.2); c.-64+10G>A (NM_001040875.4).
Identifiers: ClinVar variation 700393 (VCV000700393.12), dbSNP rs199612265, ClinGen allele CA4784996.

ClinVar aggregate classification (germline): Likely benign. Review status: criteria provided, multiple submitters, no conflicts (2 of 4 stars). 2 submissions from 2 submitters: Likely benign (2). Last evaluated 2026-02-18.

Conditions:
GDAP1-related disorder. Also called: GDAP1-related disorders; GDAP1-related condition.
Charcot-Marie-Tooth disease type 4A. Also called: Charcot-Marie-Tooth disease, demyelinating, autosomal recessive, type 4a. Identifiers: Orphanet 99948, MedGen C1859198, MONDO:0008961, OMIM 214400.

Allele frequency attached by ClinVar (database versions not stated): gnomAD exomes 0.00002 and 0.00011; gnomAD 0.00003; TOPMed 0.00008; ExAC 0.00011; 1000 Genomes Project 30x 0.00016; 1000 Genomes Project 0.00020.
gnomAD v4.1: 34 of 1,612,266 alleles (0.0021%); highest among the groups gnomAD compares: East Asian, 0.065%; no homozygotes.

Submissions (2):

PreventionGenetics, part of Exact Sciences
Classification: Likely benign for GDAP1-related condition. Last evaluated: 2026-02-18. Review status: criteria provided, single submitter. Criteria: ACMG Guidelines, 2015. Collection method: clinical testing. Allele origin: germline.
Comment: This variant is classified as likely benign based on ACMG/AMP sequence variant interpretation guidelines (Richards et al. 2015 PMID: 25741868, with internal and published modifications).

Labcorp Genetics (formerly Invitae), Labcorp
Classification: Likely benign for Charcot-Marie-Tooth disease type 4A. Last evaluated: 2023-12-08. Review status: criteria provided, single submitter. Criteria: Invitae Variant Classification Sherloc (09022015). Collection method: clinical testing. Allele origin: germline.